The following is an entry in ClinVar:

ClinVar aggregate classification (germline): Uncertain significance (1 of 4 stars; one submission).

gnomAD v4.1: 1 of 1,613,844 alleles (0.000062%); no homozygotes.

Submission:

GeneDx
Classification: Uncertain significance. Last evaluated: 2024-10-22. Review status: criteria provided, single submitter. Criteria: GeneDx Variant Classification Process June 2021. Collection method: clinical testing. Allele origin: germline. Affected: yes.
Comment: Not observed at significant frequency in large population cohorts (gnomAD); In silico analysis supports that this missense variant has a deleterious effect on protein structure/function; Has not been previously published as pathogenic or benign to our knowledge

NM_002887.4(RARS1):c.587T>C (p.Val196Ala)

Gene: RARS1 (arginyl-tRNA synthetase 1; plus strand). Cytogenetic location: 5q34.
Variant type: single nucleotide variant.
Coding change: c.587T>C on transcript NM_002887.4 (MANE Select); coding-DNA position 587, T replaced by C.
Protein change: p.Val196Ala; replaces valine 196 with alanine.
Molecular consequence: missense variant.
Genome position (GRCh38, 1-based): chr5:168,495,322, T>C. VCF-style: chr5-168495322-T-C. GRCh37 (hg19) VCF-style: chr5-167922327-T-C.
Other names: short protein forms V196A.
Identifiers: ClinVar variation 3893445 (VCV003893445.1).